The following is an entry in ClinVar:

ClinVar aggregate classification (germline): Uncertain significance. Review status: criteria provided, multiple submitters, no conflicts (2 of 4 stars). 7 submissions from 7 submitters: Uncertain significance (6). 1 of the submissions does not count toward it. Last evaluated 2025-08-01.

Conditions:
Familial adenomatous polyposis 1 (FAP1). Also called: POLYPOSIS, ADENOMATOUS INTESTINAL; FAMILIAL ADENOMATOUS POLYPOSIS 1, ATTENUATED. Identifiers: MedGen C2713442, MONDO:0021056, OMIM 175100. Disease mechanism: loss of function.
Hereditary cancer-predisposing syndrome. Also called: Hereditary neoplastic syndrome; Neoplastic Syndromes, Hereditary; Tumor predisposition; Hereditary Cancer Syndrome. Identifiers: Orphanet 140162, MedGen C0027672, MeSH D009386, MONDO:0015356.

Submissions (7):

Ambry Genetics
Classification: Uncertain significance for Hereditary cancer-predisposing syndrome. Last evaluated: 2025-08-01. Review status: criteria provided, single submitter. Criteria: Ambry Variant Classification Scheme 2023. Collection method: clinical testing. Allele origin: germline.
Comment: The p.M1014V variant (also known as c.3040A>G), located in coding exon 15 of the APC gene, results from an A to G substitution at nucleotide position 3040. The methionine at codon 1014 is replaced by valine, an amino acid with highly similar properties. This amino acid position is highly conserved in available vertebrate species. In addition, in silico predictors for this gene do not accurately predict pathogenicity. Since supporting evidence is limited at this time, the clinical significance of this alteration remains unclear.

Labcorp Genetics (formerly Invitae), Labcorp
Classification: Uncertain significance for Familial adenomatous polyposis 1. Last evaluated: 2025-07-28. Review status: criteria provided, single submitter. Criteria: Invitae Variant Classification Sherloc (09022015). Collection method: clinical testing. Allele origin: germline.
Comment: This sequence change replaces methionine, which is neutral and non-polar, with valine, which is neutral and non-polar, at codon 1014 of the APC protein (p.Met1014Val). This variant is not present in population databases (gnomAD no frequency). This variant has not been reported in the literature in individuals affected with APC-related conditions. ClinVar contains an entry for this variant (Variation ID: 469855). Invitae Evidence Modeling of protein sequence and biophysical properties (such as structural, functional, and spatial information, amino acid conservation, physicochemical variation, residue mobility, and thermodynamic stability) indicates that this missense variant is not expected to disrupt APC protein function with a negative predictive value of 95%. In summary, the available evidence is currently insufficient to determine the role of this variant in disease. Therefore, it has been classified as a Variant of Uncertain Significance.

GeneDx
Classification: Uncertain significance. Last evaluated: 2023-12-28. Review status: criteria provided, single submitter. Criteria: GeneDx Variant Classification Process June 2021. Collection method: clinical testing. Allele origin: germline. Affected: yes.
Comment: Not observed at significant frequency in large population cohorts (gnomAD); In silico analysis supports that this missense variant does not alter protein structure/function; Has not been previously published as pathogenic or benign to our knowledge

Baylor Genetics
Classification: Uncertain significance for Familial adenomatous polyposis 1. Last evaluated: 2023-09-11. Review status: criteria provided, single submitter. Criteria: ACMG Guidelines, 2015. Collection method: clinical testing. Allele origin: unknown.

Color Diagnostics, LLC DBA Color Health
Classification: Uncertain significance for Hereditary cancer-predisposing syndrome. Last evaluated: 2023-05-23. Review status: criteria provided, single submitter. Criteria: ACMG Guidelines, 2015. Collection method: clinical testing. Allele origin: germline.
Comment: This missense variant replaces methionine with valine at codon 1014 of the APC protein. Computational prediction is inconclusive regarding the impact of this variant on protein structure and function (internally defined REVEL score threshold 0.5 < inconclusive < 0.7, PMID: 27666373). To our knowledge, functional studies have not been reported for this variant. This variant has not been reported in individuals affected with APC-related disorders in the literature. This variant has not been identified in the general population by the Genome Aggregation Database (gnomAD). The available evidence is insufficient to determine the role of this variant in disease conclusively. Therefore, this variant is classified as a Variant of Uncertain Significance.

Myriad Genetics, Inc.
Classification: Uncertain significance for Familial adenomatous polyposis 1. Last evaluated: 2023-02-14. Review status: criteria provided, single submitter. Criteria: Myriad Autosomal Dominant, Autosomal Recessive and X-Linked Classification Criteria (2023). Collection method: clinical testing. Allele origin: unknown.
Comment: This variant is classified as a variant of uncertain significance as there is insufficient evidence to determine its impact on protein function and/or cancer risk.

Counsyl
Classification: Uncertain significance for Familial adenomatous polyposis 1. Last evaluated: 2018-05-16. Review status: no assertion criteria provided. Collection method: clinical testing. Allele origin: unknown. Not counted in ClinVar's aggregate classification.

NM_000038.6(APC):c.3040A>G (p.Met1014Val)

Gene: APC (APC regulator of Wnt signaling pathway; plus strand). Cytogenetic location: 5q22.2.
Variant type: single nucleotide variant.
Coding change: c.3040A>G on transcript NM_000038.6 (MANE Select); coding-DNA position 3040, A replaced by G.
Protein change: p.Met1014Val; replaces methionine 1014 with valine.
Molecular consequence: missense variant.
Genome position (GRCh38, 1-based): chr5:112,838,634, A>G. VCF-style: chr5-112838634-A-G. GRCh37 (hg19) VCF-style: chr5-112174331-A-G.
Other names: c.3040A>G, p.Met1014Val (NM_001127510.3, NM_001354895.2); c.2986A>G, p.Met996Val (NM_001127511.3); c.3094A>G, p.Met1032Val (NM_001354896.2); c.3070A>G, p.Met1024Val (NM_001354897.2); c.2965A>G, p.Met989Val (NM_001354898.2); c.2956A>G, p.Met986Val (NM_001354899.2); c.2917A>G, p.Met973Val (NM_001354900.2); c.2863A>G, p.Met955Val (NM_001354901.2); and 5 more; short protein forms M996V, M1014V, M731V, M955V, M888V, M989V, M1024V, M1032V.
Identifiers: ClinVar variation 469855 (VCV000469855.21), dbSNP rs1554084654, ClinGen allele CA16027984.